The following is an entry in ClinVar:

ClinVar aggregate classification (germline): Uncertain significance (1 of 4 stars; one submission).

Conditions:
MERTK-related disorder. Also called: MERTK-related condition.

gnomAD v4.1: 6 of 1,614,106 alleles (0.00037%); highest among the groups gnomAD compares: East Asian, 0.013%; no homozygotes.

Submission:

PreventionGenetics, part of Exact Sciences
Classification: Uncertain significance for MERTK-related condition. Last evaluated: 2026-07-17. Review status: criteria provided, single submitter. Criteria: ACMG Guidelines, 2015. Collection method: clinical testing. Allele origin: germline.
Comment: The MERTK c.1354G>T variant is predicted to result in the amino acid substitution p.Val452Phe. To our knowledge, this variant has not been reported in the literature. This variant is reported in 0.030% of alleles in individuals of East Asian descent in gnomAD. At this time, the clinical significance of this variant is uncertain due to the absence of conclusive functional and genetic evidence.

NM_006343.3(MERTK):c.1354G>T (p.Val452Phe)

Gene: MERTK (MER proto-oncogene, tyrosine kinase; plus strand). Cytogenetic location: 2q13.
Variant type: single nucleotide variant.
Coding change: c.1354G>T on transcript NM_006343.3 (MANE Select); coding-DNA position 1354, G replaced by T.
Protein change: p.Val452Phe; replaces valine 452 with phenylalanine.
Molecular consequence: missense variant.
Genome position (GRCh38, 1-based): chr2:111,994,308, G>T. VCF-style: chr2-111994308-G-T. GRCh37 (hg19) VCF-style: chr2-112751885-G-T.
Other names: short protein forms V452F.
Identifiers: ClinVar variation 4978259 (VCV004978259.1).